The following is an entry in ClinVar:

ClinVar aggregate classification (germline): Uncertain significance (1 of 4 stars; one submission).

Submission:

GeneDx
Classification: Uncertain significance. Last evaluated: 2022-02-25. Review status: criteria provided, single submitter. Criteria: GeneDx Variant Classification Process June 2021. Collection method: clinical testing. Allele origin: germline. Affected: yes.
Comment: Not observed at significant frequency in large population cohorts (gnomAD); In silico analysis supports that this missense variant does not alter protein structure/function; Has not been previously published as pathogenic or benign to our knowledge

NM_001365999.1(SZT2):c.8546A>T (p.Tyr2849Phe)

Gene: SZT2 (SZT2 subunit of KICSTOR complex; plus strand). Cytogenetic location: 1p34.2.
Variant type: single nucleotide variant.
Coding change: c.8546A>T on transcript NM_001365999.1 (MANE Select); coding-DNA position 8546, A replaced by T.
Protein change: p.Tyr2849Phe; replaces tyrosine 2849 with phenylalanine.
Molecular consequence: missense variant.
Genome position (GRCh38, 1-based): chr1:43,443,398, A>T. VCF-style: chr1-43443398-A-T. GRCh37 (hg19) VCF-style: chr1-43909069-A-T.
Other names: c.8375A>T, p.Tyr2792Phe (NM_015284.4); short protein forms Y2792F, Y2849F.
Identifiers: ClinVar variation 1703303 (VCV001703303.2), dbSNP rs2545856409, ClinGen allele CA340039555.